The following is an entry in ClinVar:

ClinVar aggregate classification (germline): Pathogenic. Review status: criteria provided, single submitter (1 of 4 stars). 2 submissions from 2 submitters: Pathogenic (1). 1 of the submissions does not count toward it. Last evaluated 2024-02-01.

Conditions:
Multicentric osteolysis nodulosis arthropathy spectrum. Identifiers: Orphanet 3460, Orphanet 371428, MedGen C1850155, MONDO:0018298.
Multicentric osteolysis, nodulosis, and arthropathy (MONA). Also called: AL-AQEEL SEWAIRI SYNDROME; NAO SYNDROME; TORG SYNDROME; Torg-Winchester syndrome; OSTEOLYSIS, HEREDITARY MULTICENTRIC. Identifiers: MedGen CN322832, MONDO:0009809, OMIM 259600.

Allele frequency attached by ClinVar (database versions not stated): gnomAD 0.00001; gnomAD exomes 0.00001; TOPMed 0.00002.
gnomAD v4.1: 18 of 1,614,054 alleles (0.0011%); highest among the groups gnomAD compares: African/African-American, 0.004%; no homozygotes.

Submissions (2):

Neuberg Centre For Genomic Medicine, NCGM
Classification: Pathogenic for Multicentric osteolysis, nodulosis, and arthropathy. Last evaluated: 2024-02-01. Review status: criteria provided, single submitter. Criteria: ACMG Guidelines, 2015. Collection method: clinical testing. Allele origin: germline. Inheritance: Autosomal recessive inheritance.
Comment: The above variant has been reported previously in homozygous state in multiple individuals affected with Multicentric osteolysis nodulosis and arthropathy (MONA) (Castberg FC, et al 2013; Bhavani GS,et al 2016). It has also been observed to segregate with disease in related individuals (Castberg FC, et al 2013).

Kasturba Medical College, Manipal, Kasturba Medical College, Manipal, Manipal Academy of Higher Education, Manipal, India
Classification: Pathogenic for Multicentric osteolysis, nodulosis, and arthropathy. Review status: no assertion criteria provided. Collection method: research. Allele origin: biparental. Inheritance: Autosomal recessive inheritance. Affected: yes. Observed: 1 homozygote. Not counted in ClinVar's aggregate classification.

Literature cited by the submitters: DOI 10.1007/s00431-013-2102-8 (cited by Kasturba Medical College, Manipal, Kasturba Medical College, Manipal, Manipal Academy of Higher Education, Manipal, India).

NM_004530.6(MMP2):c.301C>T (p.Arg101Cys)

Gene: MMP2 (matrix metallopeptidase 2; plus strand). Cytogenetic location: 16q12.2.
Variant type: single nucleotide variant.
Coding change: c.301C>T on transcript NM_004530.6 (MANE Select); coding-DNA position 301, C replaced by T.
Protein change: p.Arg101Cys; replaces arginine 101 with cysteine.
Molecular consequence: missense variant.
Genome position (GRCh38, 1-based): chr16:55,483,056, C>T. VCF-style: chr16-55483056-C-T. GRCh37 (hg19) VCF-style: chr16-55516968-C-T.
Other names: c.151C>T, p.Arg51Cys (NM_001127891.3); c.73C>T, p.Arg25Cys (NM_001302508.1, NM_001302509.2, NM_001302510.2); short protein forms R101C, R25C, R51C.
Identifiers: ClinVar variation 1341994 (VCV001341994.4), dbSNP rs1369454759, ClinGen allele CA395931647.